The following is an entry in ClinVar:

ClinVar aggregate classification (germline): Uncertain significance. Review status: criteria provided, multiple submitters, no conflicts (2 of 4 stars). 2 submissions from 2 submitters: Uncertain significance (2). Last evaluated 2024-06-01.

gnomAD v4.1: 5 of 1,207,313 alleles (0.00041%); highest among the groups gnomAD compares: Non-Finnish European, 0.00056%; no homozygotes.

Submissions (2):

CeGaT Center for Human Genetics Tuebingen
Classification: Uncertain significance. Last evaluated: 2024-06-01. Review status: criteria provided, single submitter. Criteria: CeGaT Center For Human Genetics Tuebingen Variant Classification Criteria Version 2. Collection method: clinical testing. Allele origin: germline. Affected: yes. Observed: 1 variant allele.
Comment: HUWE1: PM2

GeneDx
Classification: Uncertain significance. Last evaluated: 2019-05-28. Review status: criteria provided, single submitter. Criteria: GeneDx Variant Classification Process June 2021. Collection method: clinical testing. Allele origin: germline. Affected: yes.
Comment: Not observed in large population cohorts (Lek et al., 2016); In silico analysis, which includes protein predictors and evolutionary conservation, supports that this variant does not alter protein structure/function; Has not been previously published as pathogenic or benign to our knowledge

NM_031407.7(HUWE1):c.4159A>G (p.Ile1387Val)

Gene: HUWE1 (HECT, UBA and WWE domain containing E3 ubiquitin protein ligase 1; minus strand). Cytogenetic location: Xp11.22.
Variant type: single nucleotide variant.
Coding change: c.4159A>G on transcript NM_031407.7 (MANE Select); coding-DNA position 4159, A replaced by G.
Protein change: p.Ile1387Val; replaces isoleucine 1387 with valine.
Molecular consequence: missense variant.
Genome position (GRCh38, 1-based): chrX:53,590,436, T>C on the plus strand (A>G on the coding strand, the complement: HUWE1 is on the minus strand). VCF-style: chrX-53590436-T-C. GRCh37 (hg19) VCF-style: chrX-53617396-T-C.
Other names: short protein forms I1387V.
Identifiers: ClinVar variation 1303699 (VCV001303699.20), dbSNP rs2148424601, ClinGen allele CA413176978.
Genomic context (GRCh38, chrX:53,590,436, plus strand): 5'-CCTTTAGGATGCAGTGTTCCATAGTTACCTCAGGTGACTCTGCCCTTTGATCCATTGGAA[T>C]ATCCTGTCCCAGAGACATAGCAATTGCTCTCATCATCTGGTCCTCTTCAGACATGCTGAG-3'
Protein context (NP_113584.3, residues 1377-1397): RAIAMSLGQD[Ile1387Val]PMDQRAESPE